The following is an entry in ClinVar:

NM_005921.2(MAP3K1):c.3275A>G (p.Asp1092Gly)

Genes: MAP3K1 (mitogen-activated protein kinase kinase kinase 1; plus strand), LOC126807392 (CDK7 strongly-dependent group 2 enhancer GRCh37_chr5:56178189-56179388; plus strand). Cytogenetic location: 5q11.2.
Variant type: single nucleotide variant.
Coding change: c.3275A>G on transcript NM_005921.2 (MANE Select); coding-DNA position 3275, A replaced by G.
Protein change: p.Asp1092Gly; replaces aspartic acid 1092 with glycine.
Molecular consequence: missense variant.
Genome position (GRCh38, 1-based): chr5:56,882,475, A>G. VCF-style: chr5-56882475-A-G. GRCh37 (hg19) VCF-style: chr5-56178302-A-G.
Other names: short protein forms D1092G.
Identifiers: ClinVar variation 2219751 (VCV002219751.6), dbSNP rs374418331, ClinGen allele CA3273151.

ClinVar aggregate classification (germline): Uncertain significance. Review status: criteria provided, multiple submitters, no conflicts (2 of 4 stars). 2 submissions from 2 submitters: Uncertain significance (2). Last evaluated 2025-04-07.

Conditions:
Inborn genetic diseases. Identifiers: MedGen C0950123, MeSH D030342.
46,XY sex reversal 6. Also called: 46,XY SEX REVERSAL, PARTIAL OR COMPLETE, MAP3K1-RELATED; 46,XY GONADAL DYSGENESIS, PARTIAL OR COMPLETE, MAP3K1-RELATED. Identifiers: MedGen C3151064, MONDO:0013410, OMIM 613762.

Allele frequency attached by ClinVar (database versions not stated): gnomAD 0.00005; TOPMed 0.00008; ExAC 0.00009; ESP Exome Variant Server 0.00016.
gnomAD v4.1: 209 of 1,614,080 alleles (0.013%); highest among the groups gnomAD compares: Non-Finnish European, 0.016%; no homozygotes.

Submissions (2):

Ambry Genetics
Classification: Uncertain significance for Inborn genetic diseases. Last evaluated: 2025-04-07. Review status: criteria provided, single submitter. Criteria: Ambry Variant Classification Scheme 2023. Collection method: clinical testing. Allele origin: germline.

Labcorp Genetics (formerly Invitae), Labcorp
Classification: Uncertain significance for 46,XY sex reversal 6. Last evaluated: 2024-10-03. Review status: criteria provided, single submitter. Criteria: Invitae Variant Classification Sherloc (09022015). Collection method: clinical testing. Allele origin: germline.
Comment: This sequence change replaces aspartic acid, which is acidic and polar, with glycine, which is neutral and non-polar, at codon 1092 of the MAP3K1 protein (p.Asp1092Gly). This variant is present in population databases (rs374418331, gnomAD 0.02%), and has an allele count higher than expected for a pathogenic variant. This variant has not been reported in the literature in individuals affected with MAP3K1-related conditions. ClinVar contains an entry for this variant (Variation ID: 2219751). Invitae Evidence Modeling of protein sequence and biophysical properties (such as structural, functional, and spatial information, amino acid conservation, physicochemical variation, residue mobility, and thermodynamic stability) indicates that this missense variant is not expected to disrupt MAP3K1 protein function with a negative predictive value of 80%. In summary, the available evidence is currently insufficient to determine the role of this variant in disease. Therefore, it has been classified as a Variant of Uncertain Significance.